The following is an entry in ClinVar:

NM_001374736.1(DST):c.1964A>C (p.His655Pro)

Gene: DST (dystonin; minus strand). Cytogenetic location: 6p12.1.
Variant type: single nucleotide variant.
Coding change: c.1964A>C on transcript NM_001374736.1 (MANE Select); coding-DNA position 1964, A replaced by C.
Protein change: p.His655Pro; replaces histidine 655 with proline.
Molecular consequence: missense variant.
Genome position (GRCh38, 1-based): chr6:56,642,010, T>G on the plus strand (A>C on the coding strand, the complement: DST is on the minus strand). VCF-style: chr6-56642010-T-G. GRCh37 (hg19) VCF-style: chr6-56506808-T-G.
Other names: c.1865A>C, p.His622Pro (NM_001144769.5); c.1451A>C, p.His484Pro (NM_001144770.2); c.1964A>C, p.His655Pro (NM_001374722.1); c.1331A>C, p.His444Pro (NM_001374729.1, NM_001374730.1, NM_001386100.1 and 1 more transcripts); c.1991A>C, p.His664Pro (NM_001374734.1); c.353A>C, p.His118Pro (NM_001723.7, NM_015548.5); c.1865A>C (NM_001144769.2); short protein forms H118P, H444P, H484P, H622P, H655P, H664P.
Identifiers: ClinVar variation 1475122 (VCV001475122.23), dbSNP rs1236723592, ClinGen allele CA364614951.

ClinVar aggregate classification (germline): Uncertain significance. Review status: criteria provided, multiple submitters, no conflicts (2 of 4 stars). 3 submissions from 3 submitters: Uncertain significance (3). Last evaluated 2024-09-01.

Conditions:
Epidermolysis bullosa simplex 3, localized or generalized intermediate, with BP230 deficiency (EBS3). Also called: Epidermolysis bullosa simplex due to BP230 deficiency; Epidermolysis bullosa simplex, autosomal recessive 2. Identifiers: Orphanet 412181, MedGen C3809470, MONDO:0014180, OMIM 615425.
Hereditary sensory and autonomic neuropathy type 6. Also called: Neuropathy, hereditary sensory and autonomic, type VI; HSAN VI. Identifiers: Orphanet 314381, MedGen C3539003, MONDO:0013839, OMIM 614653.
Inborn genetic diseases. Identifiers: MedGen C0950123, MeSH D030342.

Allele frequency attached by ClinVar (database versions not stated): gnomAD 0.00001; TOPMed 0.00001.
gnomAD v4.1: 6 of 1,613,438 alleles (0.00037%); highest among the groups gnomAD compares: Non-Finnish European, 0.00042%; no homozygotes.

Submissions (3):

CeGaT Center for Human Genetics Tuebingen
Classification: Uncertain significance. Last evaluated: 2024-09-01. Review status: criteria provided, single submitter. Criteria: CeGaT Center For Human Genetics Tuebingen Variant Classification Criteria Version 2. Collection method: clinical testing. Allele origin: germline. Affected: yes. Observed: 1 variant allele.
Comment: DST: PM2

Ambry Genetics
Classification: Uncertain significance for Inborn genetic diseases. Last evaluated: 2023-11-27. Review status: criteria provided, single submitter. Criteria: Ambry Variant Classification Scheme 2023. Collection method: clinical testing. Allele origin: germline.

Labcorp Genetics (formerly Invitae), Labcorp
Classification: Uncertain significance for Epidermolysis bullosa simplex 3, localized or generalized intermediate, with BP230 deficiency; Hereditary sensory and autonomic neuropathy type 6. Last evaluated: 2022-11-28. Review status: criteria provided, single submitter. Criteria: Invitae Variant Classification Sherloc (09022015). Collection method: clinical testing. Allele origin: germline.
Comment: In summary, the available evidence is currently insufficient to determine the role of this variant in disease. Therefore, it has been classified as a Variant of Uncertain Significance. Algorithms developed to predict the effect of missense changes on protein structure and function (SIFT, PolyPhen-2, Align-GVGD) all suggest that this variant is likely to be disruptive. ClinVar contains an entry for this variant (Variation ID: 1475122). This variant has not been reported in the literature in individuals affected with DST-related conditions. This variant is not present in population databases (gnomAD no frequency). This sequence change replaces histidine, which is basic and polar, with proline, which is neutral and non-polar, at codon 118 of the DST protein (p.His118Pro).